The following is an entry in ClinVar:

NM_016203.4(PRKAG2):c.1006-3C>T

Gene: PRKAG2 (protein kinase AMP-activated non-catalytic subunit gamma 2; minus strand). Cytogenetic location: 7q36.1.
Variant type: single nucleotide variant.
Coding change: c.1006-3C>T on transcript NM_016203.4 (MANE Select); 3 bases into the intron before coding-DNA position 1006, C replaced by T.
Molecular consequence: intron variant.
Genome position (GRCh38, 1-based): chr7:151,572,712, G>A on the plus strand (C>T on the coding strand, the complement: PRKAG2 is on the minus strand). VCF-style: chr7-151572712-G-A. GRCh37 (hg19) VCF-style: chr7-151269798-G-A.
Other names: c.1006-3C>T (NM_016203.3, NM_001407021.1); c.715-3C>T (NM_001407031.1); c.718-3C>T (NM_001407030.1); c.1003-3C>T (NM_001407023.1, NM_001407022.1); c.688-3C>T (NM_001407032.1); c.871-3C>T (NM_001407026.1, NM_001407027.1); c.874-3C>T (NM_001040633.2, NM_001407024.1); c.682-3C>T (NM_001407033.1); and 6 more.
Identifiers: ClinVar variation 3705986 (VCV003705986.3).
Genomic context (GRCh38, chr7:151,572,712, plus strand): 5'-AATAGTGCTTACCCCTCCATGTTTCAATTTTATGTTCCTCTAATTCATAAATCTGTACCT[G>A]CAAATAAAAAAATTCTTATTTATAAATATACATATACAACATAGAAAAAATATTTGGAAA-3'

ClinVar aggregate classification (germline): Uncertain significance. Review status: criteria provided, multiple submitters, no conflicts (2 of 4 stars). 2 submissions from 2 submitters: Uncertain significance (2). Last evaluated 2025-02-12.

Conditions:
Lethal congenital glycogen storage disease of heart. Also called: GLYCOGEN STORAGE DISEASE OF HEART; PHOSPHORYLASE KINASE DEFICIENCY OF HEART. Identifiers: Orphanet 439854, MedGen C1849813, MONDO:0009867, OMIM 261740.
Cardiovascular phenotype. Identifiers: MedGen CN230736.

gnomAD v4.1: 2 of 1,565,304 alleles (0.00013%); highest among the groups gnomAD compares: South Asian, 0.0012%; no homozygotes.

Submissions (2):

Ambry Genetics
Classification: Uncertain significance for Cardiovascular phenotype. Last evaluated: 2025-02-12. Review status: criteria provided, single submitter. Criteria: Ambry Variant Classification Scheme 2023. Collection method: clinical testing. Allele origin: germline.
Comment: The c.1006-3C>T intronic variant results from a C to T substitution 3 nucleotides upstream from coding exon 9 in the PRKAG2 gene. This nucleotide position is not well conserved in available vertebrate species. In silico splice site analysis for this alteration is inconclusive. Based on the available evidence, the clinical significance of this variant remains unclear.

Labcorp Genetics (formerly Invitae), Labcorp
Classification: Uncertain significance for Lethal congenital glycogen storage disease of heart. Last evaluated: 2024-03-16. Review status: criteria provided, single submitter. Criteria: Invitae Variant Classification Sherloc (09022015). Collection method: clinical testing. Allele origin: germline.
Comment: This sequence change falls in intron 8 of the PRKAG2 gene. It does not directly change the encoded amino acid sequence of the PRKAG2 protein. It affects a nucleotide within the consensus splice site. This variant is not present in population databases (gnomAD no frequency). This variant has not been reported in the literature in individuals affected with PRKAG2-related conditions. Variants that disrupt the consensus splice site are a relatively common cause of aberrant splicing (PMID: 17576681, 9536098). Algorithms developed to predict the effect of sequence changes on RNA splicing suggest that this variant may disrupt the consensus splice site. In summary, the available evidence is currently insufficient to determine the role of this variant in disease. Therefore, it has been classified as a Variant of Uncertain Significance.

Literature cited by the submitters: PubMed 17576681 (cited by Labcorp Genetics (formerly Invitae), Labcorp); PubMed 9536098 (cited by Labcorp Genetics (formerly Invitae), Labcorp).